The following is an entry in ClinVar:

NM_000057.4(BLM):c.4144G>C (p.Ala1382Pro)

Gene: BLM (BLM RecQ like helicase; plus strand). Cytogenetic location: 15q26.1.
Variant type: single nucleotide variant.
Coding change: c.4144G>C on transcript NM_000057.4 (MANE Select); coding-DNA position 4144, G replaced by C.
Protein change: p.Ala1382Pro; replaces alanine 1382 with proline.
Molecular consequence: missense variant.
Genome position (GRCh38, 1-based): chr15:90,815,169, G>C. VCF-style: chr15-90815169-G-C. GRCh37 (hg19) VCF-style: chr15-91358399-G-C.
Other names: c.4144G>C, p.Ala1382Pro (NM_001287246.2); c.3751G>C, p.Ala1251Pro (NM_001287247.2); c.3019G>C, p.Ala1007Pro (NM_001287248.2); short protein forms A1007P, A1251P, A1382P.
Identifiers: ClinVar variation 1053081 (VCV001053081.19), dbSNP rs771686396, ClinGen allele CA7739206.

ClinVar aggregate classification (germline): Uncertain significance. Review status: criteria provided, multiple submitters, no conflicts (2 of 4 stars). 3 submissions from 3 submitters: Uncertain significance (3). Last evaluated 2025-08-03.

Conditions:
Bloom syndrome (BLM). Also called: Bloom-Torre-Machacek syndrome. Identifiers: Orphanet 125, MedGen C0005859, MONDO:0008876, OMIM 210900.
Hereditary cancer-predisposing syndrome. Also called: Tumor predisposition; Hereditary neoplastic syndrome; Neoplastic Syndromes, Hereditary; Hereditary Cancer Syndrome. Identifiers: Orphanet 140162, MedGen C0027672, MeSH D009386, MONDO:0015356.

Allele frequency attached by ClinVar (database versions not stated): ExAC 0.00001; gnomAD exomes 0.00001.
gnomAD v4.1: 3 of 1,614,120 alleles (0.00019%); highest among the groups gnomAD compares: Non-Finnish European, 0.00025%; no homozygotes.

Submissions (3):

Labcorp Genetics (formerly Invitae), Labcorp
Classification: Uncertain significance for Bloom syndrome. Last evaluated: 2025-08-03. Review status: criteria provided, single submitter. Criteria: Invitae Variant Classification Sherloc (09022015). Collection method: clinical testing. Allele origin: germline.
Comment: This sequence change replaces alanine, which is neutral and non-polar, with proline, which is neutral and non-polar, at codon 1382 of the BLM protein (p.Ala1382Pro). This variant is present in population databases (rs771686396, gnomAD 0.002%). This variant has not been reported in the literature in individuals affected with BLM-related conditions. ClinVar contains an entry for this variant (Variation ID: 1053081). Invitae Evidence Modeling of protein sequence and biophysical properties (such as structural, functional, and spatial information, amino acid conservation, physicochemical variation, residue mobility, and thermodynamic stability) indicates that this missense variant is not expected to disrupt BLM protein function with a negative predictive value of 80%. In summary, the available evidence is currently insufficient to determine the role of this variant in disease. Therefore, it has been classified as a Variant of Uncertain Significance.

CeGaT Center for Human Genetics Tuebingen
Classification: Uncertain significance. Last evaluated: 2025-06-01. Review status: criteria provided, single submitter. Criteria: CeGaT Center For Human Genetics Tuebingen Variant Classification Criteria Version 2. Collection method: clinical testing. Allele origin: germline. Affected: yes. Observed: 1 variant allele.
Comment: BLM: PM2, BP1, BP4

Ambry Genetics
Classification: Uncertain significance for Hereditary cancer-predisposing syndrome. Last evaluated: 2023-09-21. Review status: criteria provided, single submitter. Criteria: Ambry Variant Classification Scheme 2023. Collection method: clinical testing. Allele origin: germline.
Comment: The p.A1382P variant (also known as c.4144G>C), located in coding exon 21 of the BLM gene, results from a G to C substitution at nucleotide position 4144. The alanine at codon 1382 is replaced by proline, an amino acid with highly similar properties. This amino acid position is poorly conserved in available vertebrate species. In addition, this alteration is predicted to be tolerated by in silico analysis. Since supporting evidence is limited at this time, the clinical significance of this alteration remains unclear.